The following is an entry in ClinVar:

NM_001942.4(DSG1):c.1977A>T (p.Gly659=)

Genes: DSG1 (desmoglein 1; plus strand), DSG1-AS1 (DSG1 antisense RNA 1; minus strand). Cytogenetic location: 18q12.1.
Variant type: single nucleotide variant.
Coding change: c.1977A>T on transcript NM_001942.4 (MANE Select); coding-DNA position 1977, A replaced by T.
Protein change: p.Gly659=; no amino-acid change (glycine 659 retained).
Molecular consequence: synonymous variant.
Genome position (GRCh38, 1-based): chr18:31,346,075, A>T. VCF-style: chr18-31346075-A-T. GRCh37 (hg19) VCF-style: chr18-28926038-A-T.
Identifiers: ClinVar variation 2711815 (VCV002711815.3), dbSNP rs776820871, ClinGen allele CA8926240.

ClinVar aggregate classification (germline): Uncertain significance (1 of 4 stars; one submission).

Allele frequency attached by ClinVar (database versions not stated): TOPMed below 0.00001; gnomAD 0.00001; gnomAD exomes 0.00004; ExAC 0.00006.
gnomAD v4.1: 64 of 1,613,762 alleles (0.004%); highest among the groups gnomAD compares: South Asian, 0.07%; 1 homozygote.

Submission:

Labcorp Genetics (formerly Invitae), Labcorp
Classification: Uncertain significance. Last evaluated: 2025-02-11. Review status: criteria provided, single submitter. Criteria: Invitae Variant Classification Sherloc (09022015). Collection method: clinical testing. Allele origin: germline.
Comment: This sequence change affects codon 659 of the DSG1 mRNA. It is a 'silent' change, meaning that it does not change the encoded amino acid sequence of the DSG1 protein. This variant is present in population databases (rs776820871, gnomAD 0.05%). This variant has not been reported in the literature in individuals affected with DSG1-related conditions. ClinVar contains an entry for this variant (Variation ID: 2711815). Algorithms developed to predict the effect of sequence changes on RNA splicing suggest that this variant may create or strengthen a splice site. In summary, the available evidence is currently insufficient to determine the role of this variant in disease. Therefore, it has been classified as a Variant of Uncertain Significance.